The following is an entry in ClinVar:

NM_007294.4(BRCA1):c.1825A>T (p.Asn609Tyr)

Gene: BRCA1 (BRCA1 DNA repair associated; minus strand). Cytogenetic location: 17q21.31.
Variant type: single nucleotide variant.
Coding change: c.1825A>T on transcript NM_007294.4 (MANE Select); coding-DNA position 1825, A replaced by T.
Protein change: p.Asn609Tyr; replaces asparagine 609 with tyrosine.
Molecular consequence: missense variant. On other transcripts: intron variant (137).
Genome position (GRCh38, 1-based): chr17:43,093,706, T>A on the plus strand (A>T on the coding strand, the complement: BRCA1 is on the minus strand). VCF-style: chr17-43093706-T-A. GRCh37 (hg19) VCF-style: chr17-41245723-T-A.
Other names: c.1825A>T, p.Asn609Tyr (NM_001407603.1, NM_001407605.1, NM_001407616.1 and 30 more transcripts); c.1822A>T, p.Asn608Tyr (NM_001407610.1, NM_001407611.1, NM_001407612.1 and 22 more transcripts); c.1612A>T, p.Asn538Tyr (NM_001407571.1, NM_001407853.1, NM_001407894.1 and 9 more transcripts); c.1816A>T, p.Asn606Tyr (NM_001407646.1, NM_001407647.1); c.1702A>T, p.Asn568Tyr (NM_001407648.1, NM_001407664.1, NM_001407665.1 and 19 more transcripts); c.1699A>T, p.Asn567Tyr (NM_001407649.1, NM_001407670.1, NM_001407671.1 and 11 more transcripts); c.1747A>T, p.Asn583Tyr (NM_001407653.1, NM_001407654.1, NM_001407655.1 and 4 more transcripts); c.1744A>T, p.Asn582Tyr (NM_001407659.1, NM_001407660.1, NM_001407661.1 and 1 more transcripts); and 40 more; short protein forms N562Y, N609Y, N498Y, N521Y, N539Y, N568Y, N583Y, N606Y.
Identifiers: ClinVar variation 960102 (VCV000960102.13), dbSNP rs2053878598, ClinGen allele CA10598364.

ClinVar aggregate classification (germline): Conflicting classifications of pathogenicity. Review status: criteria provided, conflicting classifications (1 of 4 stars). 2 submissions from 2 submitters: Uncertain significance (1); Likely benign (1). Last evaluated 2023-03-23.

Conditions:
Hereditary cancer-predisposing syndrome. Also called: Tumor predisposition; Hereditary neoplastic syndrome; Neoplastic Syndromes, Hereditary; Hereditary Cancer Syndrome. Identifiers: Orphanet 140162, MedGen C0027672, MeSH D009386, MONDO:0015356.
Hereditary breast ovarian cancer syndrome. Also called: Hereditary breast and ovarian cancer; BRCA1- and BRCA2-Associated Hereditary Breast and Ovarian Cancer; Hereditary breast and/or ovarian cancer syndrome; Hereditary breast and ovarian cancer syndrome; Hereditary breast and ovarian cancer syndrome (HBOC); Breast and ovarian cancer. Identifiers: Orphanet 145, MedGen C0677776, MeSH D061325, MONDO:0003582. Disease mechanism: loss of function.

Submissions (2):

University of Washington Department of Laboratory Medicine, University of Washington
Classification: Likely benign for Hereditary cancer-predisposing syndrome. Last evaluated: 2023-03-23. Review status: criteria provided, single submitter. Criteria: Dines et al. (Genet Med. 2020). Collection method: curation. Allele origin: germline.
Comment: Missense variant in a coldspot region where missense variants are very unlikely to be pathogenic (PMID:31911673).

BRCA1 coldspot (exon 11 using historical exon numbering). Reclassification based on statistical prior probability

Labcorp Genetics (formerly Invitae), Labcorp
Classification: Uncertain significance for Hereditary breast ovarian cancer syndrome. Last evaluated: 2019-10-18. Review status: criteria provided, single submitter. Criteria: Invitae Variant Classification Sherloc (09022015). Collection method: clinical testing. Allele origin: germline.
Comment: In summary, the available evidence is currently insufficient to determine the role of this variant in disease. Therefore, it has been classified as a Variant of Uncertain Significance. Algorithms developed to predict the effect of missense changes on protein structure and function are either unavailable or do not agree on the potential impact of this missense change (SIFT: "Tolerated"; PolyPhen-2: "Possibly Damaging"; Align-GVGD: "Class C0"). This variant has not been reported in the literature in individuals with BRCA1-related conditions. This variant is not present in population databases (ExAC no frequency). This sequence change replaces asparagine with tyrosine at codon 609 of the BRCA1 protein (p.Asn609Tyr). The asparagine residue is moderately conserved and there is a large physicochemical difference between asparagine and tyrosine.